The following is an entry in ClinVar:

NM_030773.4(TUBB1):c.952C>T (p.Arg318Trp)

Gene: TUBB1 (tubulin beta 1 class VI; plus strand). Cytogenetic location: 20q13.32.
Variant type: single nucleotide variant.
Coding change: c.952C>T on transcript NM_030773.4 (MANE Select); coding-DNA position 952, C replaced by T.
Protein change: p.Arg318Trp; replaces arginine 318 with tryptophan.
Molecular consequence: missense variant.
Genome position (GRCh38, 1-based): chr20:59,024,379, C>T. VCF-style: chr20-59024379-C-T. GRCh37 (hg19) VCF-style: chr20-57599434-C-T.
Other names: short protein forms R318W.
Identifiers: ClinVar variation 425 (VCV000000425.24), dbSNP rs121918555, ClinGen allele CA114269.
Genomic context (GRCh38, chr20:59,024,379, plus strand): 5'-AATACCATGGCTGCCTGTGACCTCCGCCGTGGCCGCTACCTCACAGTGGCCTGCATTTTC[C>T]GGGGCAAGATGTCCACCAAGGAAGTGGACCAGCAACTGCTCTCCGTGCAGACCAGGAACA-3'
Protein context (NP_110400.1, residues 308-328): GRYLTVACIF[Arg318Trp]GKMSTKEVDQ

ClinVar aggregate classification (germline): Pathogenic/Likely pathogenic. Review status: criteria provided, multiple submitters, no conflicts (2 of 4 stars). 11 submissions from 11 submitters: Pathogenic (1); Likely pathogenic (7). 3 of the submissions do not count toward it. Last evaluated 2025-09-23.

Conditions:
TUBB1-related disorder. Also called: TUBB1-related condition.
Macrothrombocytopenia. Identifiers: MedGen C2751260, HP:0040185.
Macrothrombocytopenia, isolated, 1, autosomal dominant (MACTHC1). Also called: Autosomal dominant macrothrombocytopenia TUBB1-related. Identifiers: Orphanet 140957, MedGen C5676892, MONDO:0800047, OMIM 613112.

Allele frequency attached by ClinVar (database versions not stated): gnomAD 0.00003; 1000 Genomes Project 0.00020; gnomAD exomes 0.00002 and 0.00007; ExAC 0.00004; TOPMed 0.00008; 1000 Genomes Project 30x 0.00016.

Submissions (11):

Labcorp Genetics (formerly Invitae), Labcorp
Classification: Pathogenic. Last evaluated: 2025-09-23. Review status: criteria provided, single submitter. Criteria: Invitae Variant Classification Sherloc (09022015). Collection method: clinical testing. Allele origin: germline.
Comment: This sequence change replaces arginine, which is basic and polar, with tryptophan, which is neutral and slightly polar, at codon 318 of the TUBB1 protein (p.Arg318Trp). This variant is present in population databases (rs121918555, gnomAD 0.06%), and has an allele count higher than expected for a pathogenic variant. This missense change has been observed in individual(s) with clinical features of TUBB1-related macrothrombocytopenia (PMID: 18849486, 31064749, 33400601). It has also been observed to segregate with disease in related individuals. ClinVar contains an entry for this variant (Variation ID: 425). Invitae Evidence Modeling of protein sequence and biophysical properties (such as structural, functional, and spatial information, amino acid conservation, physicochemical variation, residue mobility, and thermodynamic stability) indicates that this missense variant is expected to disrupt TUBB1 protein function with a positive predictive value of 80%. Experimental studies have shown that this missense change affects TUBB1 function (PMID: 18849486). For these reasons, this variant has been classified as Pathogenic.

Mayo Clinic Laboratories, Mayo Clinic
Classification: Likely pathogenic. Last evaluated: 2025-09-22. Review status: criteria provided, single submitter. Criteria: ACMG Guidelines, 2015. Collection method: clinical testing. Allele origin: germline. Observed: 1 variant allele.
Comment: PP1_strong, PP3_moderate, PS3_moderate

PreventionGenetics, part of Exact Sciences
Classification: Likely pathogenic for TUBB1-related condition. Last evaluated: 2025-09-03. Review status: criteria provided, single submitter. Criteria: ACMG Guidelines, 2015. Collection method: clinical testing. Allele origin: germline.
Comment: The TUBB1 c.952C>T variant is predicted to result in the amino acid substitution p.Arg318Trp. This variant has been reported in multiple individuals with TUBB1-related diseases (See for example, Kunishima et al. 2009. PubMed ID: 18849486; Table S3, Downes et al. 2019. PubMed ID: 31064749; Hou et al. 2021. PubMed ID: 33400601; Table S6, Lee et al. 2024. PubMed ID: 38735735). This variant segregated with disease in several individuals in one family with macrothrombocytopenia (Hou et al. 2021. PubMed ID: 33400601). A functional study shows that the variant results in protein instability (Kunishima et al. 2009. PubMed ID: 18849486). This variant is reported in 0.070% of alleles in individuals of East Asian descent in gnomAD. This variant is interpreted as likely pathogenic.

Revvity Omics, Revvity
Classification: Likely pathogenic for Macrothrombocytopenia, isolated, 1, autosomal dominant. Last evaluated: 2025-06-13. Review status: criteria provided, single submitter. Criteria: ACMG Guidelines, 2015. Collection method: clinical testing. Allele origin: germline.

Variantyx, Inc.
Classification: Likely pathogenic for Macrothrombocytopenia, isolated, 1, autosomal dominant. Last evaluated: 2025-03-15. Review status: criteria provided, single submitter. Criteria: Variantyx Assertion Criteria 2022. Collection method: clinical testing. Allele origin: germline.
Comment: This is a nonsynonymous variant in the TUBB1 gene (OMIM: 612901). Pathogenic variants in this gene have been associated with autosomal dominant isolated macrothrombocytopenia 1. This variant has been observed to segregate with disease (PMID: 33400601) (PP1_Moderate). Functional studies have shown that this variant alters TUBB1 protein function (PMID: 18849486) (PS3_Moderate). Multiple computational algorithms predict a deleterious effect for this variant (REVEL score: 0.866) (PP3_Moderate). This variant has a 0.0423% maximum allele frequency in non-founder control populations. Based on the current evidence, this variant is classified as likely pathogenic for autosomal dominant Isolated macrothrombocytopenia 1.

Blueprint Genetics
Classification: Likely pathogenic for TUBB1-related disorders. Last evaluated: 2023-05-10. Review status: criteria provided, single submitter. Criteria: ACMG Guidelines, 2015. Collection method: clinical testing. Allele origin: germline. Affected: yes. Observed: 3 variant alleles.

NIHR Bioresource Rare Diseases, University of Cambridge
Classification: Likely pathogenic for Macrothrombocytopenia. Last evaluated: 2019-02-01. Review status: criteria provided, single submitter. Criteria: ACMG Guidelines, 2015. Collection method: research. Allele origin: unknown. Affected: yes. Observed: 1 heterozygote. Study: ThromboGenomics.

Juno Genomics, Hangzhou Juno Genomics, Inc
Classification: Likely pathogenic for Macrothrombocytopenia, isolated, 1, autosomal dominant. Review status: criteria provided, single submitter. Criteria: ACMG Guidelines, 2015. Collection method: clinical testing. Allele origin: germline.
Comment: Well-established in vitro or in vivo functional studies supportive of a damaging effect on the gene or gene product.;The prevalence of the variant in affected individuals is significantly increased compared to the prevalence in controls.;Co-segregation with disease in multiple affected family members.

Zotz-Klimas Genetics Lab, MVZ Zotz Klimas
Classification: Likely pathogenic for Macrothrombocytopenia, isolated, 1, autosomal dominant. Last evaluated: 2023-10-09. Review status: no assertion criteria provided. Collection method: clinical testing. Allele origin: germline. Affected: yes. Not counted in ClinVar's aggregate classification.

OMIM
Classification: Pathogenic for MACROTHROMBOCYTOPENIA, ISOLATED, 1, AUTOSOMAL DOMINANT. Last evaluated: 2009-01-08. Review status: no assertion criteria provided. Collection method: literature only. Allele origin: germline. Not counted in ClinVar's aggregate classification.

Department of Pathology and Laboratory Medicine, Sinai Health System
Classification: Uncertain significance for Macrothrombocytopenia, isolated, 1, autosomal dominant. Last evaluated: 2023-01-24. Review status: flagged submission. Criteria: ACMG Guidelines, 2015. Collection method: research. Allele origin: germline. Not counted in ClinVar's aggregate classification.
ClinVar note: Reason: Outlier claim with insufficient supporting evidence

Literature cited by the submitters: PubMed 18849486 (cited by 3 submitters); PubMed 31064749 (cited by 3 submitters); PubMed 33400601 (cited by 3 submitters); PubMed 30854628 (cited by Mayo Clinic Laboratories, Mayo Clinic); PubMed 31642429 (cited by Mayo Clinic Laboratories, Mayo Clinic); PubMed 36218086 (cited by Mayo Clinic Laboratories, Mayo Clinic); PubMed 38735735 (cited by Mayo Clinic Laboratories, Mayo Clinic); PubMed 40071799 (cited by Mayo Clinic Laboratories, Mayo Clinic).